The following is an entry in ClinVar:

NM_020778.5(ALPK3):c.3490C>T (p.Arg1164Trp)

Gene: ALPK3 (alpha kinase 3; plus strand). Cytogenetic location: 15q25.3.
Variant type: single nucleotide variant.
Coding change: c.3490C>T on transcript NM_020778.5 (MANE Select); coding-DNA position 3490, C replaced by T.
Protein change: p.Arg1164Trp; replaces arginine 1164 with tryptophan.
Molecular consequence: missense variant.
Genome position (GRCh38, 1-based): chr15:84,858,228, C>T. VCF-style: chr15-84858228-C-T. GRCh37 (hg19) VCF-style: chr15-85401459-C-T.
Other names: short protein forms R1164W.
Identifiers: ClinVar variation 1471266 (VCV001471266.9), dbSNP rs779709566, ClinGen allele CA273625595.
Genomic context (GRCh38, chr15:84,858,228, plus strand): 5'-CCAGGGGAGGCTCTGACAGGTCTCCCGGCAGCTACACCTGAGGAACTGGCTCTAGGGGCC[C>T]GGAGGAAGAGATTTCTCCCTAAGGTCAGAGCAGCAGGAGACGGGGAGGCAACCACACCTG-3'
Protein context (NP_065829.4, residues 1154-1174): ATPEELALGA[Arg1164Trp]RKRFLPKVRA

ClinVar aggregate classification (germline): Uncertain significance. Review status: criteria provided, multiple submitters, no conflicts (2 of 4 stars). 2 submissions from 2 submitters: Uncertain significance (2). Last evaluated 2026-01-04.

Conditions:
Cardiovascular phenotype. Identifiers: MedGen CN230736.

Allele frequency attached by ClinVar (database versions not stated): gnomAD 0.00001; TOPMed 0.00001.
gnomAD v4.1: 21 of 1,610,570 alleles (0.0013%); highest among the groups gnomAD compares: Admixed American, 0.005%; no homozygotes.

Submissions (2):

Labcorp Genetics (formerly Invitae), Labcorp
Classification: Uncertain significance. Last evaluated: 2026-01-04. Review status: criteria provided, single submitter. Criteria: Invitae Variant Classification Sherloc (09022015). Collection method: clinical testing. Allele origin: germline.
Comment: This sequence change replaces arginine, which is basic and polar, with tryptophan, which is neutral and slightly polar, at codon 1366 of the ALPK3 protein (p.Arg1366Trp). The frequency data for this variant in the population databases is considered unreliable, as metrics indicate poor data quality at this position in the gnomAD database. This variant has not been reported in the literature in individuals affected with ALPK3-related conditions. ClinVar contains an entry for this variant (Variation ID: 1471266). Invitae Evidence Modeling of protein sequence and biophysical properties (such as structural, functional, and spatial information, amino acid conservation, physicochemical variation, residue mobility, and thermodynamic stability) indicates that this missense variant is expected to disrupt ALPK3 protein function with a positive predictive value of 80%. In summary, the available evidence is currently insufficient to determine the role of this variant in disease. Therefore, it has been classified as a Variant of Uncertain Significance.

Ambry Genetics
Classification: Uncertain significance for Cardiovascular phenotype. Last evaluated: 2023-01-30. Review status: criteria provided, single submitter. Criteria: Ambry Variant Classification Scheme 2023. Collection method: clinical testing. Allele origin: germline.
Comment: The p.R1366W variant (also known as c.4096C>T), located in coding exon 6 of the ALPK3 gene, results from a C to T substitution at nucleotide position 4096. The arginine at codon 1366 is replaced by tryptophan, an amino acid with dissimilar properties. This amino acid position is well conserved in available vertebrate species. In addition, the in silico prediction for this alteration is inconclusive. Since supporting evidence is limited at this time, the clinical significance of this alteration remains unclear.